The following is an entry in ClinVar:

ClinVar aggregate classification (germline): Uncertain significance. Review status: criteria provided, multiple submitters, no conflicts (2 of 4 stars). 2 submissions from 2 submitters: Uncertain significance (2). Last evaluated 2025-02-03.

Allele frequency attached by ClinVar (database versions not stated): gnomAD exomes 0.00007.
gnomAD v4.1: 96 of 1,424,928 alleles (0.0067%); highest among the groups gnomAD compares: Admixed American, 0.025%; no homozygotes.

Submissions (2):

Labcorp Genetics (formerly Invitae), Labcorp
Classification: Uncertain significance. Last evaluated: 2025-02-03. Review status: criteria provided, single submitter. Criteria: Invitae Variant Classification Sherloc (09022015). Collection method: clinical testing. Allele origin: germline.
Comment: This sequence change replaces proline, which is neutral and non-polar, with alanine, which is neutral and non-polar, at codon 167 of the MESP1 protein (p.Pro167Ala). This variant is present in population databases (rs767947453, gnomAD 0.009%). This variant has not been reported in the literature in individuals affected with MESP1-related conditions. ClinVar contains an entry for this variant (Variation ID: 2751389). An algorithm developed to predict the effect of missense changes on protein structure and function (PolyPhen-2) suggests that this variant is likely to be tolerated. In summary, the available evidence is currently insufficient to determine the role of this variant in disease. Therefore, it has been classified as a Variant of Uncertain Significance.

Ambry Genetics
Classification: Uncertain significance. Last evaluated: 2024-01-16. Review status: criteria provided, single submitter. Criteria: Ambry Variant Classification Scheme 2023. Collection method: clinical testing. Allele origin: germline.

NM_018670.4(MESP1):c.499C>G (p.Pro167Ala)

Genes: MESP1 (mesoderm posterior bHLH transcription factor 1; minus strand), LOC130057888 (ATAC-STARR-seq lymphoblastoid silent region 6803; plus strand). Cytogenetic location: 15q26.1.
Variant type: single nucleotide variant.
Coding change: c.499C>G on transcript NM_018670.4 (MANE Select); coding-DNA position 499, C replaced by G.
Protein change: p.Pro167Ala; replaces proline 167 with alanine.
Molecular consequence: missense variant.
Genome position (GRCh38, 1-based): chr15:89,750,733, G>C on the plus strand (C>G on the coding strand, the complement: MESP1 is on the minus strand). VCF-style: chr15-89750733-G-C. GRCh37 (hg19) VCF-style: chr15-90293964-G-C.
Other names: c.499C>G (NM_018670.3); short protein forms P167A.
Identifiers: ClinVar variation 2751389 (VCV002751389.4), dbSNP rs767947453, ClinGen allele CA7730188.